The following is an entry in ClinVar:

NM_001170700.3(DTHD1):c.983T>C (p.Ile328Thr)

Gene: DTHD1 (death domain containing 1; plus strand). Cytogenetic location: 4p14.
Variant type: single nucleotide variant.
Coding change: c.983T>C on transcript NM_001170700.3 (MANE Select); coding-DNA position 983, T replaced by C.
Protein change: p.Ile328Thr; replaces isoleucine 328 with threonine.
Molecular consequence: missense variant. On other transcripts: non-coding transcript variant (2).
Genome position (GRCh38, 1-based): chr4:36,290,468, T>C. VCF-style: chr4-36290468-T-C. GRCh37 (hg19) VCF-style: chr4-36292090-T-C.
Other names: c.113T>C, p.Ile38Thr (NM_001136536.5, NM_001378435.1); short protein forms I328T, I38T.
Identifiers: ClinVar variation 2287716 (VCV002287716.3), dbSNP rs1034908342, ClinGen allele CA95767290.

ClinVar aggregate classification (germline): Uncertain significance. Review status: criteria provided, multiple submitters, no conflicts (2 of 4 stars). 2 submissions from 2 submitters: Uncertain significance (2). Last evaluated 2025-10-21.

Allele frequency attached by ClinVar (database versions not stated): gnomAD exomes below 0.00001; TOPMed 0.00001; gnomAD 0.00002.
gnomAD v4.1: 8 of 1,551,760 alleles (0.00052%); highest among the groups gnomAD compares: African/African-American, 0.0055%; no homozygotes.

Submissions (2):

Labcorp Genetics (formerly Invitae), Labcorp
Classification: Uncertain significance. Last evaluated: 2025-10-21. Review status: criteria provided, single submitter. Criteria: Invitae Variant Classification Sherloc (09022015). Collection method: clinical testing. Allele origin: germline.
Comment: This sequence change replaces isoleucine, which is neutral and non-polar, with threonine, which is neutral and polar, at codon 38 of the DTHD1 protein (p.Ile38Thr). This variant is present in population databases (no rsID available, gnomAD 0.01%). This variant has not been reported in the literature in individuals affected with DTHD1-related conditions. ClinVar contains an entry for this variant (Variation ID: 2287716). An algorithm developed to predict the effect of missense changes on protein structure and function outputs the following: PolyPhen-2: "Benign". The threonine amino acid residue is found in multiple mammalian species, which suggests that this missense change does not adversely affect protein function. In summary, the available evidence is currently insufficient to determine the role of this variant in disease. Therefore, it has been classified as a Variant of Uncertain Significance.

Ambry Genetics
Classification: Uncertain significance. Last evaluated: 2022-05-06. Review status: criteria provided, single submitter. Criteria: Ambry Variant Classification Scheme 2023. Collection method: clinical testing. Allele origin: germline.